The following is an entry in ClinVar:

ClinVar aggregate classification (germline): Conflicting classifications of pathogenicity. Review status: criteria provided, conflicting classifications (1 of 4 stars). 3 submissions from 3 submitters: Uncertain significance (1); Benign (1). 1 of the submissions does not count toward it. Last evaluated 2025-03-09.

Conditions:
ACE-related disorder. Also called: ACE-related disorders; ACE-related condition.
Renal tubular dysgenesis. Also called: Renotubular dysgenesis. Identifiers: Orphanet 3033, MedGen C0266313, MONDO:0017609, HP:0008660.

Allele frequency attached by ClinVar (database versions not stated): gnomAD 0.00001 and 0.00012; gnomAD exomes 0.00026 and 0.00056; 1000 Genomes Project 0.00060; ExAC 0.00060; 1000 Genomes Project 30x 0.00078.
gnomAD v4.1: 397 of 1,613,900 alleles (0.025%); highest among the groups gnomAD compares: South Asian, 0.38%; 4 homozygotes.

Submissions (3):

Labcorp Genetics (formerly Invitae), Labcorp
Classification: Benign. Last evaluated: 2025-03-09. Review status: criteria provided, single submitter. Criteria: Invitae Variant Classification Sherloc (09022015). Collection method: clinical testing. Allele origin: germline.

Illumina Laboratory Services, Illumina
Classification: Uncertain significance for Renal tubular dysgenesis of genetic origin. Last evaluated: 2017-04-27. Review status: criteria provided, single submitter. Criteria: ICSL Variant Classification Criteria 13 December 2019. Collection method: clinical testing. Allele origin: germline.

PreventionGenetics, part of Exact Sciences
Classification: Likely benign for ACE-related condition. Last evaluated: 2019-11-26. Review status: no assertion criteria provided. Collection method: clinical testing. Allele origin: germline. Not counted in ClinVar's aggregate classification.
Comment: This variant is classified as likely benign based on ACMG/AMP sequence variant interpretation guidelines (Richards et al. 2015 PMID: 25741868, with internal and published modifications).

NM_000789.4(ACE):c.960G>A (p.Thr320=)

Gene: ACE (angiotensin I converting enzyme; plus strand). Cytogenetic location: 17q23.3.
Variant type: single nucleotide variant.
Coding change: c.960G>A on transcript NM_000789.4 (MANE Select); coding-DNA position 960, G replaced by A.
Protein change: p.Thr320=; no amino-acid change (threonine 320 retained).
Molecular consequence: synonymous variant.
Genome position (GRCh38, 1-based): chr17:63,481,580, G>A. VCF-style: chr17-63481580-G-A. GRCh37 (hg19) VCF-style: chr17-61558941-G-A.
Identifiers: ClinVar variation 729345 (VCV000729345.14), dbSNP rs547724686, ClinGen allele CA8699346.